The following is an entry in ClinVar:

NM_058216.3(RAD51C):c.464C>G (p.Ala155Gly)

Gene: RAD51C (RAD51 paralog C; plus strand). Cytogenetic location: 17q22.
Variant type: single nucleotide variant.
Coding change: c.464C>G on transcript NM_058216.3 (MANE Select); coding-DNA position 464, C replaced by G.
Protein change: p.Ala155Gly; replaces alanine 155 with glycine.
Molecular consequence: missense variant.
Genome position (GRCh38, 1-based): chr17:58,696,752, C>G. VCF-style: chr17-58696752-C-G. GRCh37 (hg19) VCF-style: chr17-56774113-C-G.
Other names: short protein forms A155G.
Identifiers: ClinVar variation 852840 (VCV000852840.9), dbSNP rs777452778, ClinGen allele CA8677235.

ClinVar aggregate classification (germline): Uncertain significance (1 of 4 stars; one submission).

Conditions:
Fanconi anemia complementation group O. Also called: RAD51C-Related Fanconi Anemia. Identifiers: Orphanet 84, MedGen C3150653, MONDO:0013248, OMIM 613390.

Submission:

Labcorp Genetics (formerly Invitae), Labcorp
Classification: Uncertain significance for Fanconi anemia complementation group O. Last evaluated: 2019-05-30. Review status: criteria provided, single submitter. Criteria: Invitae Variant Classification Sherloc (09022015). Collection method: clinical testing. Allele origin: germline.
Comment: This sequence change replaces alanine with glycine at codon 155 of the RAD51C protein (p.Ala155Gly). The alanine residue is moderately conserved and there is a small physicochemical difference between alanine and glycine. The frequency data for this variant in the population databases is considered unreliable, as metrics indicate poor data quality at this position in the ExAC database. This variant has not been reported in the literature in individuals with RAD51C-related conditions. Algorithms developed to predict the effect of missense changes on protein structure and function are either unavailable or do not agree on the potential impact of this missense change (SIFT: "Deleterious"; PolyPhen-2: "Probably Damaging"; Align-GVGD: "Class C0"). In summary, the available evidence is currently insufficient to determine the role of this variant in disease. Therefore, it has been classified as a Variant of Uncertain Significance.